The following is an entry in ClinVar:

ClinVar aggregate classification (germline): Uncertain significance (1 of 4 stars; one submission).

Conditions:
Cognitive impairment with or without cerebellar ataxia (CIAT). Identifiers: MedGen C3280415, MONDO:0013680, OMIM 614306.

Submission:

Pittsburgh Clinical Genomics Laboratory, University of Pittsburgh Medical Center
Classification: Uncertain significance for Cognitive impairment with or without cerebellar ataxia. Last evaluated: 2022-12-23. Review status: criteria provided, single submitter. Criteria: ACMG Guidelines, 2015. Collection method: clinical testing. Allele origin: germline. Inheritance: Autosomal dominant inheritance. Affected: yes.
Comment: This sequence variant is a singe nucleotide substitution (C>T) at coding position 4940 of the SCN8A gene that results in a serine to phenylalanine amino acid change at residue 1647 of the SCN8A protein. This variant has not been previously reported to databases of clinically annotated variants (ClinVar) or observed in the literature in individuals with SCN8A-related illness, to our knowledge. This variant is absent from the gnomAD population database (0 of ~250,000 alleles). Bioinformatic tools predict that this variant would be damaging, and the Ser1647 residue is highly conserved across the vertebrate species examined. Functiol studies testing the effect of this variant on protein structure or activity have not been performed, to our knowledge. At this time, there is insufficient evidence to determine if this variant is pathogenic or benign. Therefore, we consider this to be a variant of uncertain significance. ACMG Criteria: PM2, PP3

NM_001330260.2(SCN8A):c.4940C>T (p.Ser1647Phe)

Gene: SCN8A (sodium voltage-gated channel alpha subunit 8; plus strand). Cytogenetic location: 12q13.13.
Variant type: single nucleotide variant.
Coding change: c.4940C>T on transcript NM_001330260.2 (MANE Select); coding-DNA position 4940, C replaced by T.
Protein change: p.Ser1647Phe; replaces serine 1647 with phenylalanine.
Molecular consequence: missense variant.
Genome position (GRCh38, 1-based): chr12:51,806,426, C>T. VCF-style: chr12-51806426-C-T. GRCh37 (hg19) VCF-style: chr12-52200210-C-T.
Other names: c.4817C>T, p.Ser1606Phe (NM_001177984.3, NM_001369788.1); c.4940C>T, p.Ser1647Phe (NM_014191.4); short protein forms S1606F, S1647F.
Identifiers: ClinVar variation 3376193 (VCV003376193.1).